The following is an entry in ClinVar:

ClinVar aggregate classification (germline): Uncertain significance (1 of 4 stars; one submission).

Conditions:
DNA ligase IV deficiency. Identifiers: Orphanet 99812, MedGen C1847827, MONDO:0011686, OMIM 606593.

Submission:

Labcorp Genetics (formerly Invitae), Labcorp
Classification: Uncertain significance for DNA ligase IV deficiency. Last evaluated: 2021-02-10. Review status: criteria provided, single submitter. Criteria: Invitae Variant Classification Sherloc (09022015). Collection method: clinical testing. Allele origin: germline.
Comment: In summary, the available evidence is currently insufficient to determine the role of this variant in disease. Therefore, it has been classified as a Variant of Uncertain Significance. Algorithms developed to predict the effect of missense changes on protein structure and function are either unavailable or do not agree on the potential impact of this missense change (SIFT: "Deleterious"; PolyPhen-2: "Probably Damaging"; Align-GVGD: "Class C15"). This variant has not been reported in the literature in individuals with LIG4-related conditions. This variant is not present in population databases (ExAC no frequency). This sequence change replaces glycine with valine at codon 398 of the LIG4 protein (p.Gly398Val). The glycine residue is highly conserved and there is a moderate physicochemical difference between glycine and valine.

NM_206937.2(LIG4):c.1193G>T (p.Gly398Val)

Gene: LIG4 (DNA ligase 4; minus strand). Cytogenetic location: 13q33.3.
Variant type: single nucleotide variant.
Coding change: c.1193G>T on transcript NM_206937.2 (MANE Select); coding-DNA position 1193, G replaced by T.
Protein change: p.Gly398Val; replaces glycine 398 with valine.
Molecular consequence: missense variant.
Genome position (GRCh38, 1-based): chr13:108,210,076, C>A on the plus strand (G>T on the coding strand, the complement: LIG4 is on the minus strand). VCF-style: chr13-108210076-C-A. GRCh37 (hg19) VCF-style: chr13-108862424-C-A.
Other names: c.1193G>T, p.Gly398Val (NM_001098268.2, NM_001352598.2, NM_001352599.2 and 6 more transcripts); c.992G>T, p.Gly331Val (NM_001330595.2); c.1229G>T, p.Gly410Val (NM_001352604.2); short protein forms G331V, G398V, G410V.
Identifiers: ClinVar variation 1026084 (VCV001026084.8), dbSNP rs538646268, ClinGen allele CA388618102.